The following is an entry in ClinVar:

NM_144687.4(NLRP12):c.1268T>C (p.Leu423Pro)

Gene: NLRP12 (NLR family pyrin domain containing 12; minus strand). Cytogenetic location: 19q13.42.
Variant type: single nucleotide variant.
Coding change: c.1268T>C on transcript NM_144687.4 (MANE Select); coding-DNA position 1268, T replaced by C.
Protein change: p.Leu423Pro; replaces leucine 423 with proline.
Molecular consequence: missense variant.
Genome position (GRCh38, 1-based): chr19:53,810,391, A>G on the plus strand (T>C on the coding strand, the complement: NLRP12 is on the minus strand). VCF-style: chr19-53810391-A-G. GRCh37 (hg19) VCF-style: chr19-54313645-A-G.
Other names: c.1268T>C, p.Leu423Pro (NM_001277126.2, NM_001277129.1); short protein forms L423P.
Identifiers: ClinVar variation 961600 (VCV000961600.9), dbSNP rs765669036, ClinGen allele CA9639472.

ClinVar aggregate classification (germline): Uncertain significance (1 of 4 stars; one submission).

Conditions:
Familial cold autoinflammatory syndrome 2 (FCAS2). Identifiers: Orphanet 247868, MedGen C2673198, MONDO:0012724, OMIM 611762.

Allele frequency attached by ClinVar (database versions not stated): TOPMed below 0.00001; gnomAD 0.00001; gnomAD exomes 0.00001 and 0.00002; ExAC 0.00002.

Submission:

Labcorp Genetics (formerly Invitae), Labcorp
Classification: Uncertain significance for Familial cold autoinflammatory syndrome 2. Last evaluated: 2025-04-10. Review status: criteria provided, single submitter. Criteria: Invitae Variant Classification Sherloc (09022015). Collection method: clinical testing. Allele origin: germline.
Comment: This sequence change replaces leucine, which is neutral and non-polar, with proline, which is neutral and non-polar, at codon 423 of the NLRP12 protein (p.Leu423Pro). This variant is present in population databases (rs765669036, gnomAD 0.004%). This variant has not been reported in the literature in individuals affected with NLRP12-related conditions. ClinVar contains an entry for this variant (Variation ID: 961600). Invitae Evidence Modeling of protein sequence and biophysical properties (such as structural, functional, and spatial information, amino acid conservation, physicochemical variation, residue mobility, and thermodynamic stability) indicates that this missense variant is not expected to disrupt NLRP12 protein function with a negative predictive value of 80%. In summary, the available evidence is currently insufficient to determine the role of this variant in disease. Therefore, it has been classified as a Variant of Uncertain Significance.